The following is an entry in ClinVar:

NM_000059.4(BRCA2):c.2464T>C (p.Cys822Arg)

Gene: BRCA2 (BRCA2 DNA repair associated; plus strand). Cytogenetic location: 13q13.1.
Variant type: single nucleotide variant.
Coding change: c.2464T>C on transcript NM_000059.4 (MANE Select); coding-DNA position 2464, T replaced by C.
Protein change: p.Cys822Arg; replaces cysteine 822 with arginine.
Molecular consequence: missense variant.
Genome position (GRCh38, 1-based): chr13:32,336,819, T>C. VCF-style: chr13-32336819-T-C. GRCh37 (hg19) VCF-style: chr13-32910956-T-C.
Other names: 2692T>C; short protein forms C822R.
Identifiers: ClinVar variation 51292 (VCV000051292.38), dbSNP rs80358512, ClinGen allele CA015378.

ClinVar aggregate classification (germline): Conflicting classifications of pathogenicity. Review status: criteria provided, conflicting classifications (1 of 4 stars). 11 submissions from 11 submitters: Uncertain significance (7); Likely benign (2). 2 of the submissions do not count toward it. Last evaluated 2025-11-22.

Conditions:
Breast-ovarian cancer, familial, susceptibility to, 2 (BROVCA2). Also called: BRCA2 Hereditary Breast and Ovarian Cancer. Identifiers: Orphanet 145, MedGen C2675520, MONDO:0012933, OMIM 612555. Disease mechanism: loss of function.
Fanconi anemia complementation group D1. Also called: BRCA2-Related Fanconi Anemia. Identifiers: Orphanet 319462, MedGen C1838457, MONDO:0011584, OMIM 605724.
Medulloblastoma (MDB). Also called: MEDULLOBLASTOMA PREDISPOSITION SYNDROME; Medulloblastoma, somatic. Identifiers: Orphanet 616, MedGen C0025149, MeSH D008527, MONDO:0007959, OMIM 155255, HP:0002885.
Pancreatic cancer, susceptibility to, 2. Identifiers: Orphanet 1333, MedGen C3150546, MONDO:0013235, OMIM 613347.
Glioma susceptibility 3 (GLM3). Also called: Glioblastoma 3. Identifiers: Orphanet 182067, Orphanet 360, MedGen C2751641, MONDO:0013093, OMIM 613029.
Wilms tumor 1 (WT1). Also called: Wilms tumor, somatic. Identifiers: Orphanet 654, MedGen CN033288, MONDO:0008679, OMIM 194070.
Familial cancer of breast. Also called: hereditary breast carcinoma; BREAST CANCER, FAMILIAL; Hereditary breast cancer. Identifiers: Orphanet 227535, MedGen C0346153, MONDO:0016419, OMIM 114480. Disease mechanism: loss of function.
Prostate cancer. Also called: Malignant tumor of prostate. Identifiers: Orphanet 1331, MedGen C0376358, MONDO:0008315, HP:0012125.
Hereditary cancer-predisposing syndrome. Also called: Hereditary Cancer Syndrome; Neoplastic Syndromes, Hereditary; Hereditary neoplastic syndrome; Tumor predisposition. Identifiers: Orphanet 140162, MedGen C0027672, MeSH D009386, MONDO:0015356.
Hereditary breast ovarian cancer syndrome. Also called: Hereditary breast and ovarian cancer syndrome; Breast and ovarian cancer; Hereditary breast and ovarian cancer syndrome (HBOC); BRCA1- and BRCA2-Associated Hereditary Breast and Ovarian Cancer; Hereditary breast and/or ovarian cancer syndrome; Hereditary breast and ovarian cancer. Identifiers: Orphanet 145, MedGen C0677776, MeSH D061325, MONDO:0003582. Disease mechanism: loss of function.

Allele frequency attached by ClinVar (database versions not stated): gnomAD exomes below 0.00001.
gnomAD v4.1: 6 of 1,604,882 alleles (0.00037%); highest among the groups gnomAD compares: Non-Finnish European, 0.00034%; no homozygotes.

Submissions (11):

Labcorp Genetics (formerly Invitae), Labcorp
Classification: Uncertain significance for Hereditary breast ovarian cancer syndrome. Last evaluated: 2025-11-22. Review status: criteria provided, single submitter. Criteria: Invitae Variant Classification Sherloc (09022015). Collection method: clinical testing. Allele origin: germline.
Comment: This sequence change replaces cysteine, which is neutral and slightly polar, with arginine, which is basic and polar, at codon 822 of the BRCA2 protein (p.Cys822Arg). This variant is present in population databases (rs80358512, gnomAD 0.003%). This missense change has been observed in individual(s) with a personal or family history of BRCA2-related conditions (PMID: 28477318). ClinVar contains an entry for this variant (Variation ID: 51292). Invitae Evidence Modeling of protein sequence and biophysical properties (such as structural, functional, and spatial information, amino acid conservation, physicochemical variation, residue mobility, and thermodynamic stability) indicates that this missense variant is not expected to disrupt BRCA2 protein function with a negative predictive value of 95%. In summary, the available evidence is currently insufficient to determine the role of this variant in disease. Therefore, it has been classified as a Variant of Uncertain Significance.

Women's Health and Genetics/Laboratory Corporation of America, LabCorp
Classification: Uncertain significance. Last evaluated: 2025-07-11. Review status: criteria provided, single submitter. Criteria: LabCorp Variant Classification Summary - May 2015. Collection method: clinical testing. Allele origin: germline.
Comment: Variant summary: BRCA2 c.2464T>C (p.Cys822Arg) results in a non-conservative amino acid change in the encoded protein sequence. Algorithms developed to predict the effect of missense changes on protein structure and function are either unavailable or do not agree on the potential impact of this missense change. The variant allele was found at a frequency of 4.1e-06 in 241802 control chromosomes. The available data on variant occurrences in the general population are insufficient to allow any conclusion about variant significance. c.2464T>C has been observed in individual(s) affected with Hereditary Breast And Ovarian Cancer Syndrome. These report(s) do not provide unequivocal conclusions about association of the variant with Hereditary Breast And Ovarian Cancer Syndrome. To our knowledge, no experimental evidence demonstrating an impact on protein function has been reported. The following publications have been ascertained in the context of this evaluation (PMID: 21147080, 28477318). ClinVar contains an entry for this variant (Variation ID: 51292). Based on the evidence outlined above, the variant was classified as uncertain significance.

Ambry Genetics
Classification: Likely benign for Hereditary cancer-predisposing syndrome. Last evaluated: 2025-01-07. Review status: criteria provided, single submitter. Criteria: Ambry Variant Classification Scheme 2023. Collection method: clinical testing. Allele origin: germline.

Quest Diagnostics Nichols Institute San Juan Capistrano
Classification: Uncertain significance. Last evaluated: 2024-09-20. Review status: criteria provided, single submitter. Criteria: Quest Diagnostics criteria. Collection method: clinical testing. Allele origin: unknown.
Comment: The BRCA2 c.2464T>C (p.Cys822Arg) variant has been reported in families with a high risk of hereditary breast and/or ovarian cancer PMID: 21147080 (2011), 28477318 (2017)). In a large breast cancer association study, this variant was found in an individual affected with breast cancer (PMID: 33471991 (2021), see also LOVD). It has also been described to be located in a region of the BRCA2 gene that is tolerant to missense sequence changes (PMID: 31911673 (2020)). The frequency of this variant in the general population, 0.0000041 (1/241802 chromosomes (Genome Aggregation Database)), is uninformative in the assessment of its pathogenicity. Analysis of this variant using bioinformatics tools for the prediction of the effect of amino acid changes on protein structure and function yielded conflicting predictions that this variant is benign or damaging. Based on the available information, we are unable to determine the clinical significance of this variant.

GeneDx
Classification: Uncertain significance. Last evaluated: 2024-05-17. Review status: criteria provided, single submitter. Criteria: GeneDx Variant Classification Process June 2021. Collection method: clinical testing. Allele origin: germline. Affected: yes.
Comment: In silico analysis supports that this missense variant has a deleterious effect on protein structure/function; Not observed at significant frequency in large population cohorts (gnomAD); Also known as 2692T>C; This variant is associated with the following publications: (PMID: 28477318, 21147080, 29884841, 32377563)

All of Us Research Program, National Institutes of Health
Classification: Uncertain significance for Breast-ovarian cancer, familial, susceptibility to, 2. Last evaluated: 2023-12-01. Review status: criteria provided, single submitter. Criteria: ACMG Guidelines, 2015. Collection method: clinical testing. Allele origin: germline. Inheritance: Autosomal dominant inheritance. Observed: 2 variant alleles, 2 heterozygotes.
Comment: This study involves interpretation of variants in research participants for the purpose of population health screening. Participant phenotype was not available at the time of variant classification. Additional details can be found in publication PMID: 35346344, PMCID: PMC8962531

University of Washington Department of Laboratory Medicine, University of Washington
Classification: Likely benign for Hereditary cancer-predisposing syndrome. Last evaluated: 2023-03-23. Review status: criteria provided, single submitter. Criteria: Dines et al. (Genet Med. 2020). Collection method: curation. Allele origin: germline.
Comment: Missense variant in a coldspot region where missense variants are very unlikely to be pathogenic (PMID:31911673).

BRCA2 exon 11 coldspot. Reclassification based on statistical prior probability.

Fulgent Genetics
Classification: Uncertain significance for Familial cancer of breast; Medulloblastoma; Familial prostate cancer; Wilms tumor 1; Fanconi anemia complementation group D1; Breast-ovarian cancer, familial, susceptibility to, 2; Glioma susceptibility 3; Pancreatic cancer, susceptibility to, 2. Last evaluated: 2021-08-04. Review status: criteria provided, single submitter. Criteria: ACMG Guidelines, 2015. Collection method: clinical testing. Allele origin: unknown.

Color Diagnostics, LLC DBA Color Health
Classification: Uncertain significance for Hereditary cancer-predisposing syndrome. Last evaluated: 2019-05-30. Review status: criteria provided, single submitter. Criteria: ACMG Guidelines, 2015. Collection method: clinical testing. Allele origin: germline.

Sharing Clinical Reports Project (SCRP)
Classification: Uncertain significance for Breast-ovarian cancer, familial 2. Last evaluated: 2011-01-24. Review status: no assertion criteria provided. Collection method: clinical testing. Allele origin: germline. Not counted in ClinVar's aggregate classification.

Breast Cancer Information Core (BIC) (BRCA2)
Classification: Uncertain significance for Breast-ovarian cancer, familial 2. Last evaluated: 2004-02-20. Review status: no assertion criteria provided. Collection method: clinical testing. Allele origin: germline. Affected: yes. Observed: 1 variant allele. Not counted in ClinVar's aggregate classification.

Literature cited by the submitters: PubMed 28477318 (cited by 4 submitters); PubMed 21147080 (cited by Women's Health and Genetics/Laboratory Corporation of America, LabCorp and Quest Diagnostics Nichols Institute San Juan Capistrano); PubMed 25348012 (cited by Women's Health and Genetics/Laboratory Corporation of America, LabCorp and Quest Diagnostics Nichols Institute San Juan Capistrano); PubMed 33471991 (cited by Quest Diagnostics Nichols Institute San Juan Capistrano); PubMed 31853058 (cited by Quest Diagnostics Nichols Institute San Juan Capistrano); PubMed 31911673 (cited by Quest Diagnostics Nichols Institute San Juan Capistrano).